The following is an entry in ClinVar:

NM_078629.4(MSL3):c.1171+1236G>A

Gene: MSL3 (MSL complex subunit 3; plus strand). Cytogenetic location: Xp22.2.
Variant type: single nucleotide variant.
Coding change: c.1171+1236G>A on transcript NM_078629.4 (MANE Select); 1236 bases into the intron after coding-DNA position 1171, G replaced by A.
Molecular consequence: intron variant. On other transcripts: 3 prime UTR variant (1).
Genome position (GRCh38, 1-based): chrX:11,766,965, G>A. VCF-style: chrX-11766965-G-A. GRCh37 (hg19) VCF-style: chrX-11785084-G-A.
Other names: c.*1156G>A (NM_078628.2); c.724+1236G>A (NM_001282174.1); c.1135+1236G>A (NM_001193270.2); c.673+1236G>A (NM_006800.4).
Identifiers: ClinVar variation 3257118 (VCV003257118.17).

ClinVar aggregate classification (germline): Likely benign (1 of 4 stars; one submission).

Submission:

CeGaT Center for Human Genetics Tuebingen
Classification: Likely benign. Last evaluated: 2026-07-01. Review status: criteria provided, single submitter. Criteria: CeGaT Center For Human Genetics Tuebingen Variant Classification Criteria Version 2. Collection method: clinical testing. Allele origin: germline. Affected: yes. Observed: 2 variant alleles.
Comment: MSL3: BS2